The following is an entry in ClinVar:

ClinVar aggregate classification (germline): Uncertain significance. Review status: criteria provided, multiple submitters, no conflicts (2 of 4 stars). 3 submissions from 3 submitters: Uncertain significance (3). Last evaluated 2026-09-15.

Conditions:
SPTLC1-related disorder. Also called: SPTLC1-related condition.
Hereditary sensory and autonomic neuropathy type 1 (HSAN1). Also called: HSAN 1; HSN Type I; Hereditary Sensory Neuropathy Type I. Identifiers: Orphanet 36386, MedGen C0020071, MONDO:0018213.

Allele frequency attached by ClinVar (database versions not stated): gnomAD exomes 0.00001 and 0.00003; gnomAD 0.00005; ESP Exome Variant Server 0.00008; TOPMed 0.00004.
gnomAD v4.1: 54 of 1,606,384 alleles (0.0034%); highest among the groups gnomAD compares: African/African-American, 0.0054%; no homozygotes.

Submissions (3):

PreventionGenetics, part of Exact Sciences
Classification: Uncertain significance for SPTLC1-related condition. Last evaluated: 2026-09-15. Review status: criteria provided, single submitter. Criteria: ACMG Guidelines, 2015. Collection method: clinical testing. Allele origin: germline.
Comment: The SPTLC1 c.238C>G variant is predicted to result in the amino acid substitution p.Leu80Val. To our knowledge, this variant has not been reported in the literature. This variant is reported in 0.0041% of alleles in individuals of African descent in gnomAD. At this time, the clinical significance of this variant is uncertain due to the absence of conclusive functional and genetic evidence.

Women's Health and Genetics/Laboratory Corporation of America, LabCorp
Classification: Uncertain significance. Last evaluated: 2026-03-25. Review status: criteria provided, single submitter. Criteria: LabCorp Variant Classification Summary - May 2015. Collection method: clinical testing. Allele origin: germline.
Comment: Variant summary: SPTLC1 c.238C>G (p.Leu80Val) results in a conservative amino acid change in the encoded protein sequence. Algorithms developed to predict the effect of missense changes on protein structure and function are either unavailable or do not agree on the potential impact of this missense change. The variant allele was found at a frequency of 1.2e-05 in 248414 control chromosomes. The available data on variant occurrences in the general population are insufficient to allow any conclusion about variant significance. To our knowledge, no occurrence of c.238C>G in individuals affected with SPTLC1-related conditions and no experimental evidence demonstrating its impact on protein function have been reported. ClinVar contains an entry for this variant (Variation ID: 1035550). Based on the evidence outlined above, the variant was classified as uncertain significance.

Labcorp Genetics (formerly Invitae), Labcorp
Classification: Uncertain significance for Hereditary sensory and autonomic neuropathy type 1. Last evaluated: 2025-06-24. Review status: criteria provided, single submitter. Criteria: Invitae Variant Classification Sherloc (09022015). Collection method: clinical testing. Allele origin: germline.
Comment: This sequence change replaces leucine, which is neutral and non-polar, with valine, which is neutral and non-polar, at codon 80 of the SPTLC1 protein (p.Leu80Val). This variant is present in population databases (rs368960986, gnomAD 0.004%). This variant has not been reported in the literature in individuals affected with SPTLC1-related conditions. ClinVar contains an entry for this variant (Variation ID: 1035550). Invitae Evidence Modeling of protein sequence and biophysical properties (such as structural, functional, and spatial information, amino acid conservation, physicochemical variation, residue mobility, and thermodynamic stability) has been performed for this missense variant. However, the output from this modeling did not meet the statistical confidence thresholds required to predict the impact of this variant on SPTLC1 protein function. In summary, the available evidence is currently insufficient to determine the role of this variant in disease. Therefore, it has been classified as a Variant of Uncertain Significance.

NM_006415.4(SPTLC1):c.238C>G (p.Leu80Val)

Gene: SPTLC1 (serine palmitoyltransferase long chain base subunit 1; minus strand). Cytogenetic location: 9q22.31.
Variant type: single nucleotide variant.
Coding change: c.238C>G on transcript NM_006415.4 (MANE Select); coding-DNA position 238, C replaced by G.
Protein change: p.Leu80Val; replaces leucine 80 with valine.
Molecular consequence: missense variant. On other transcripts: 5 prime UTR variant (2).
Genome position (GRCh38, 1-based): chr9:92,108,762, G>C on the plus strand (C>G on the coding strand, the complement: SPTLC1 is on the minus strand). VCF-style: chr9-92108762-G-C. GRCh37 (hg19) VCF-style: chr9-94871044-G-C.
Other names: c.238C>G, p.Leu80Val (NM_001281303.2, NM_178324.3); c.-262C>G (NM_001368272.1); c.-228C>G (NM_001368273.1); c.238C>G (NM_006415.3); short protein forms L80V.
Identifiers: ClinVar variation 1035550 (VCV001035550.10), dbSNP rs368960986, ClinGen allele CA195396382.